The following is an entry in ClinVar:

ClinVar aggregate classification (germline): Uncertain significance. Review status: criteria provided, multiple submitters, no conflicts (2 of 4 stars). 2 submissions from 2 submitters: Uncertain significance (2). Last evaluated 2023-12-14.

Conditions:
Inborn genetic diseases. Identifiers: MedGen C0950123, MeSH D030342.

Allele frequency attached by ClinVar (database versions not stated): gnomAD 0.00001; ExAC 0.00002; TOPMed 0.00003; 1000 Genomes Project 30x 0.00016; 1000 Genomes Project 0.00020.
gnomAD v4.1: 22 of 1,614,134 alleles (0.0014%); highest among the groups gnomAD compares: Non-Finnish European, 0.0017%; no homozygotes.

Submissions (2):

Ambry Genetics
Classification: Uncertain significance for Inborn genetic diseases. Last evaluated: 2023-12-14. Review status: criteria provided, single submitter. Criteria: Ambry Variant Classification Scheme 2023. Collection method: clinical testing. Allele origin: germline.

Labcorp Genetics (formerly Invitae), Labcorp
Classification: Uncertain significance. Last evaluated: 2022-08-15. Review status: criteria provided, single submitter. Criteria: Invitae Variant Classification Sherloc (09022015). Collection method: clinical testing. Allele origin: germline.
Comment: This sequence change replaces threonine, which is neutral and polar, with serine, which is neutral and polar, at codon 147 of the PROSC protein (p.Thr147Ser). This variant is present in population databases (rs200888037, gnomAD 0.005%). This variant has not been reported in the literature in individuals affected with PROSC-related conditions. Algorithms developed to predict the effect of missense changes on protein structure and function (SIFT, PolyPhen-2, Align-GVGD) all suggest that this variant is likely to be disruptive. In summary, the available evidence is currently insufficient to determine the role of this variant in disease. Therefore, it has been classified as a Variant of Uncertain Significance.

NM_007198.4(PLPBP):c.440C>G (p.Thr147Ser)

Gene: PLPBP (pyridoxal phosphate binding protein; plus strand). Cytogenetic location: 8p11.23.
Variant type: single nucleotide variant.
Coding change: c.440C>G on transcript NM_007198.4 (MANE Select); coding-DNA position 440, C replaced by G.
Protein change: p.Thr147Ser; replaces threonine 147 with serine.
Molecular consequence: missense variant.
Genome position (GRCh38, 1-based): chr8:37,772,875, C>G. VCF-style: chr8-37772875-C-G. GRCh37 (hg19) VCF-style: chr8-37630393-C-G.
Other names: c.440C>G, p.Thr147Ser (NM_001349346.2); c.434C>G, p.Thr145Ser (NM_001349347.2); c.284C>G, p.Thr95Ser (NM_001349348.2); c.440C>G (NM_007198.3); short protein forms T145S, T147S, T95S.
Identifiers: ClinVar variation 1917998 (VCV001917998.3), dbSNP rs200888037, ClinGen allele CA4711233.